The following is an entry in ClinVar:

NM_152743.4(BRAT1):c.1618G>A (p.Ala540Thr)

Gene: BRAT1 (BRCA1 associated ATM activator 1; minus strand). Cytogenetic location: 7p22.3.
Variant type: single nucleotide variant.
Coding change: c.1618G>A on transcript NM_152743.4 (MANE Select); coding-DNA position 1618, G replaced by A.
Protein change: p.Ala540Thr; replaces alanine 540 with threonine.
Molecular consequence: missense variant. On other transcripts: non-coding transcript variant (1).
Genome position (GRCh38, 1-based): chr7:2,539,331, C>T on the plus strand (G>A on the coding strand, the complement: BRAT1 is on the minus strand). VCF-style: chr7-2539331-C-T. GRCh37 (hg19) VCF-style: chr7-2578965-C-T.
Other names: c.1618G>A, p.Ala540Thr (NM_001350626.2); c.1093G>A, p.Ala365Thr (NM_001350627.2); short protein forms A540T, A365T.
Identifiers: ClinVar variation 567372 (VCV000567372.14), dbSNP rs148608404, ClinGen allele CA4127650.

ClinVar aggregate classification (germline): Conflicting classifications of pathogenicity. Review status: criteria provided, conflicting classifications (1 of 4 stars). 3 submissions from 3 submitters: Uncertain significance (2); Likely benign (1). Last evaluated 2025-07-14.

Conditions:
Inborn genetic diseases. Identifiers: MedGen C0950123, MeSH D030342.
Neonatal-onset encephalopathy with rigidity and seizures. Also called: Lethal neonatal spasticity-epileptic encephalopathy syndrome. Identifiers: Orphanet 435845, MedGen C3281029, MONDO:0013784, OMIM 614498.

Allele frequency attached by ClinVar (database versions not stated): gnomAD 0.00003 and 0.00004; gnomAD exomes 0.00004; ExAC 0.00003; ESP Exome Variant Server 0.00015; TOPMed 0.00003.

Submissions (3):

Labcorp Genetics (formerly Invitae), Labcorp
Classification: Likely benign for Neonatal-onset encephalopathy with rigidity and seizures. Last evaluated: 2025-07-14. Review status: criteria provided, single submitter. Criteria: Invitae Variant Classification Sherloc (09022015). Collection method: clinical testing. Allele origin: germline.

GeneDx
Classification: Uncertain significance. Last evaluated: 2023-08-07. Review status: criteria provided, single submitter. Criteria: GeneDx Variant Classification Process June 2021. Collection method: clinical testing. Allele origin: germline. Affected: yes.
Comment: Not observed at significant frequency in large population cohorts (gnomAD); In silico analysis supports that this missense variant does not alter protein structure/function; Has not been previously published as pathogenic or benign to our knowledge

Ambry Genetics
Classification: Uncertain significance for Inborn genetic diseases. Last evaluated: 2023-03-14. Review status: criteria provided, single submitter. Criteria: Ambry Variant Classification Scheme 2023. Collection method: clinical testing. Allele origin: germline.